The following is an entry in ClinVar:

NM_021020.5(LZTS1):c.1027C>T (p.Arg343Trp)

Gene: LZTS1 (leucine zipper tumor suppressor 1; minus strand). Cytogenetic location: 8p21.3.
Variant type: single nucleotide variant.
Coding change: c.1027C>T on transcript NM_021020.5 (MANE Select); coding-DNA position 1027, C replaced by T.
Protein change: p.Arg343Trp; replaces arginine 343 with tryptophan.
Molecular consequence: missense variant.
Genome position (GRCh38, 1-based): chr8:20,252,904, G>A on the plus strand (C>T on the coding strand, the complement: LZTS1 is on the minus strand). VCF-style: chr8-20252904-G-A. GRCh37 (hg19) VCF-style: chr8-20110415-G-A.
Other names: c.1027C>T, p.Arg343Trp (NM_001362884.2); short protein forms R343W.
Identifiers: ClinVar variation 2085431 (VCV002085431.5), dbSNP rs764078757, ClinGen allele CA4657383.

ClinVar aggregate classification (germline): Uncertain significance. Review status: criteria provided, multiple submitters, no conflicts (2 of 4 stars). 2 submissions from 2 submitters: Uncertain significance (2). Last evaluated 2024-10-05.

Allele frequency attached by ClinVar (database versions not stated): ExAC 0.00003; TOPMed 0.00003; gnomAD 0.00005.
gnomAD v4.1: 27 of 1,610,020 alleles (0.0017%); highest among the groups gnomAD compares: East Asian, 0.0045%; no homozygotes.

Submissions (2):

Labcorp Genetics (formerly Invitae), Labcorp
Classification: Uncertain significance. Last evaluated: 2024-10-05. Review status: criteria provided, single submitter. Criteria: Invitae Variant Classification Sherloc (09022015). Collection method: clinical testing. Allele origin: germline.
Comment: This sequence change replaces arginine, which is basic and polar, with tryptophan, which is neutral and slightly polar, at codon 343 of the LZTS1 protein (p.Arg343Trp). This variant is present in population databases (rs764078757, gnomAD 0.02%). This variant has not been reported in the literature in individuals affected with LZTS1-related conditions. ClinVar contains an entry for this variant (Variation ID: 2085431). Invitae Evidence Modeling of protein sequence and biophysical properties (such as structural, functional, and spatial information, amino acid conservation, physicochemical variation, residue mobility, and thermodynamic stability) indicates that this missense variant is not expected to disrupt LZTS1 protein function with a negative predictive value of 80%. In summary, the available evidence is currently insufficient to determine the role of this variant in disease. Therefore, it has been classified as a Variant of Uncertain Significance.

Ambry Genetics
Classification: Uncertain significance. Last evaluated: 2022-11-08. Review status: criteria provided, single submitter. Criteria: Ambry Variant Classification Scheme 2023. Collection method: clinical testing. Allele origin: germline.